The following is an entry in ClinVar:

NM_000535.7(PMS2):c.1843G>T (p.Val615Phe)

Gene: PMS2 (PMS1 homolog 2, mismatch repair system component; minus strand). Cytogenetic location: 7p22.1.
Variant type: single nucleotide variant.
Coding change: c.1843G>T on transcript NM_000535.7 (MANE Select); coding-DNA position 1843, G replaced by T.
Protein change: p.Val615Phe; replaces valine 615 with phenylalanine.
Molecular consequence: missense variant. On other transcripts: non-coding transcript variant (1).
Genome position (GRCh38, 1-based): chr7:5,986,922, C>A on the plus strand (G>T on the coding strand, the complement: PMS2 is on the minus strand). VCF-style: chr7-5986922-C-A. GRCh37 (hg19) VCF-style: chr7-6026553-C-A.
Other names: c.1735G>T, p.Val579Phe (NM_001406869.1); c.1687G>T, p.Val563Phe (NM_001406870.1, NM_001322006.2); c.1843G>T, p.Val615Phe (NM_001406871.1, NM_001406872.1, NM_001322014.2); c.1645G>T, p.Val549Phe (NM_001406873.1); c.1525G>T, p.Val509Phe (NM_001406883.1, NM_001406876.1, NM_001406903.1 and 2 more transcripts); c.1519G>T, p.Val507Phe (NM_001406884.1); c.1270G>T, p.Val424Phe (NM_001322013.2, NM_001406909.1); c.1534G>T, p.Val512Phe (NM_001322015.2, NM_001406875.1, NM_001406877.1 and 5 more transcripts); and 12 more; short protein forms V304F, V424F, V428F, V493F, V507F, V512F, V623F, V358F.
Identifiers: ClinVar variation 2182903 (VCV002182903.4), dbSNP rs1782962260, ClinGen allele CA366739622.

ClinVar aggregate classification (germline): Uncertain significance (1 of 4 stars; one submission).

Conditions:
Hereditary nonpolyposis colorectal neoplasms. Identifiers: MedGen C0009405, MeSH D003123.

Submission:

Labcorp Genetics (formerly Invitae), Labcorp
Classification: Uncertain significance for Hereditary nonpolyposis colorectal neoplasms. Last evaluated: 2022-10-12. Review status: criteria provided, single submitter. Criteria: Invitae Variant Classification Sherloc (09022015). Collection method: clinical testing. Allele origin: germline.
Comment: In summary, the available evidence is currently insufficient to determine the role of this variant in disease. Therefore, it has been classified as a Variant of Uncertain Significance. Advanced modeling of protein sequence and biophysical properties (such as structural, functional, and spatial information, amino acid conservation, physicochemical variation, residue mobility, and thermodynamic stability) performed at Invitae indicates that this missense variant is not expected to disrupt PMS2 protein function. This variant has not been reported in the literature in individuals affected with PMS2-related conditions. This variant is not present in population databases (gnomAD no frequency). This sequence change replaces valine, which is neutral and non-polar, with phenylalanine, which is neutral and non-polar, at codon 615 of the PMS2 protein (p.Val615Phe).